The following is an entry in ClinVar:

ClinVar aggregate classification (germline): Conflicting classifications of pathogenicity. Review status: criteria provided, conflicting classifications (1 of 4 stars). 3 submissions from 3 submitters: Uncertain significance (1); Likely benign (1). 1 of the submissions does not count toward it. Last evaluated 2025-11-28.

Conditions:
RAI1-related disorder. Also called: RAI1-related condition.

Allele frequency attached by ClinVar (database versions not stated): ExAC 0.00001; gnomAD 0.00001; gnomAD exomes 0.00002; TOPMed 0.00002.
gnomAD v4.1: 13 of 1,613,260 alleles (0.00081%); highest among the groups gnomAD compares: Non-Finnish European, 0.001%; no homozygotes.

Submissions (3):

Labcorp Genetics (formerly Invitae), Labcorp
Classification: Likely benign. Last evaluated: 2025-11-28. Review status: criteria provided, single submitter. Criteria: Invitae Variant Classification Sherloc (09022015). Collection method: clinical testing. Allele origin: germline.

Genetic Services Laboratory, University of Chicago
Classification: Uncertain significance. Last evaluated: 2016-12-02. Review status: criteria provided, single submitter. Criteria: ACMG Guidelines, 2015. Collection method: clinical testing. Allele origin: germline. Affected: no.

PreventionGenetics, part of Exact Sciences
Classification: Likely benign for RAI1-related condition. Last evaluated: 2023-05-09. Review status: no assertion criteria provided. Collection method: clinical testing. Allele origin: germline. Not counted in ClinVar's aggregate classification.
Comment: This variant is classified as likely benign based on ACMG/AMP sequence variant interpretation guidelines (Richards et al. 2015 PMID: 25741868, with internal and published modifications).

NM_030665.4(RAI1):c.12T>C (p.Phe4=)

Gene: RAI1 (retinoic acid induced 1; plus strand). Cytogenetic location: 17p11.2.
Variant type: single nucleotide variant.
Coding change: c.12T>C on transcript NM_030665.4 (MANE Select); coding-DNA position 12, T replaced by C.
Protein change: p.Phe4=; no amino-acid change (phenylalanine 4 retained).
Molecular consequence: synonymous variant.
Genome position (GRCh38, 1-based): chr17:17,792,960, T>C. VCF-style: chr17-17792960-T-C. GRCh37 (hg19) VCF-style: chr17-17696274-T-C.
Identifiers: ClinVar variation 436485 (VCV000436485.14), dbSNP rs755209169, ClinGen allele CA8418026.